The following is an entry in ClinVar:

ClinVar aggregate classification (germline): Conflicting classifications of pathogenicity. Review status: criteria provided, conflicting classifications (1 of 4 stars). 5 submissions from 5 submitters: Uncertain significance (1); Benign (1); Likely benign (3). Last evaluated 2025-12-30.

Conditions:
Inborn genetic diseases. Identifiers: MedGen C0950123, MeSH D030342.

Allele frequency attached by ClinVar (database versions not stated): TOPMed 0.00057; gnomAD exomes 0.00107; ExAC 0.00108; ESP Exome Variant Server 0.00108; 1000 Genomes Project 30x 0.00125; 1000 Genomes Project 0.00140.
gnomAD v4.1: 1,664 of 1,614,236 alleles (0.1%); highest among the groups gnomAD compares: South Asian, 0.2%; 3 homozygotes.

Submissions (5):

Labcorp Genetics (formerly Invitae), Labcorp
Classification: Benign. Last evaluated: 2025-12-30. Review status: criteria provided, single submitter. Criteria: Invitae Variant Classification Sherloc (09022015). Collection method: clinical testing. Allele origin: germline.

Blueprint Genetics
Classification: Likely benign. Last evaluated: 2024-11-21. Review status: criteria provided, single submitter. Criteria: ACMG Guidelines, 2015. Collection method: clinical testing. Allele origin: germline.

CeGaT Center for Human Genetics Tuebingen
Classification: Likely benign. Last evaluated: 2024-09-01. Review status: criteria provided, single submitter. Criteria: CeGaT Center For Human Genetics Tuebingen Variant Classification Criteria Version 2. Collection method: clinical testing. Allele origin: germline. Affected: yes. Observed: 6 variant alleles.
Comment: TRAPPC9: BP4, BP7

Ambry Genetics
Classification: Likely benign for Inborn genetic diseases. Last evaluated: 2018-01-10. Review status: criteria provided, single submitter. Criteria: Ambry Variant Classification Scheme 2023. Collection method: clinical testing. Allele origin: germline.

Genetic Services Laboratory, University of Chicago
Classification: Uncertain significance. Last evaluated: 2015-06-29. Review status: criteria provided, single submitter. Criteria: ACMG Guidelines, 2015. Collection method: clinical testing. Allele origin: germline.

NM_001160372.4(TRAPPC9):c.1326G>A (p.Ser442=)

Gene: TRAPPC9 (trafficking protein particle complex subunit 9; minus strand). Cytogenetic location: 8q24.3.
Variant type: single nucleotide variant.
Coding change: c.1326G>A on transcript NM_001160372.4 (MANE Select); coding-DNA position 1326, G replaced by A.
Protein change: p.Ser442=; no amino-acid change (serine 442 retained).
Molecular consequence: synonymous variant. On other transcripts: non-coding transcript variant (1).
Genome position (GRCh38, 1-based): chr8:140,370,989, C>T on the plus strand (G>A on the coding strand, the complement: TRAPPC9 is on the minus strand). VCF-style: chr8-140370989-C-T. GRCh37 (hg19) VCF-style: chr8-141381088-C-T.
Other names: c.1299G>A, p.Ser433= (NM_001321646.2); c.1347G>A, p.Ser449= (NM_001374682.1); c.1326G>A, p.Ser442= (NM_001374683.1, NM_001374684.1, NM_031466.8).
Identifiers: ClinVar variation 212416 (VCV000212416.53), dbSNP rs145960296, ClinGen allele CA205387.